The following is an entry in ClinVar:

NM_001267550.2(TTN):c.62935G>T (p.Glu20979Ter)

Genes: TTN (titin; minus strand), TTN-AS1 (TTN antisense RNA 1; plus strand). Cytogenetic location: 2q31.2.
Variant type: single nucleotide variant.
Coding change: c.62935G>T on transcript NM_001267550.2 (MANE Select); coding-DNA position 62935, G replaced by T.
Protein change: p.Glu20979Ter; replaces glutamic acid 20979 with a stop codon.
Molecular consequence: nonsense.
Genome position (GRCh38, 1-based): chr2:178,588,790, C>A on the plus strand (G>T on the coding strand, the complement: TTN is on the minus strand). VCF-style: chr2-178588790-C-A. GRCh37 (hg19) VCF-style: chr2-179453517-C-A.
Other names: c.58012G>T, p.Glu19338Ter (NM_001256850.1); c.35740G>T, p.Glu11914Ter (NM_003319.4); c.55231G>T, p.Glu18411Ter (NM_133378.4); c.36115G>T, p.Glu12039Ter (NM_133432.3); c.36316G>T, p.Glu12106Ter (NM_133437.4); short protein forms E11914*, E12039*, E20979*, E12106*, E19338*, E18411*.
Identifiers: ClinVar variation 1349555 (VCV001349555.10), dbSNP rs1306891128, ClinGen allele CA349458816.

ClinVar aggregate classification (germline): Likely pathogenic. Review status: criteria provided, multiple submitters, no conflicts (2 of 4 stars). 3 submissions from 3 submitters: Likely pathogenic (3). Last evaluated 2026-03-23.

Conditions:
Primary familial dilated cardiomyopathy (FDC). Also called: Familial dilated cardiomyopathy; Hypokinetic dilated cardiomyopathy, familial. Identifiers: Orphanet 217607, MedGen C0340427, MONDO:0016333.
Cardiovascular phenotype. Identifiers: MedGen CN230736.
Autosomal recessive limb-girdle muscular dystrophy type 2J (LGMDR10). Also called: Limb-girdle muscular dystrophy, type 2J; MUSCULAR DYSTROPHY, LIMB-GIRDLE, AUTOSOMAL RECESSIVE 10. Identifiers: Orphanet 140922, MedGen C1837342, MONDO:0012127, OMIM 608807.
Dilated cardiomyopathy 1G (CMD1G). Identifiers: Orphanet 154, MedGen C1858763, MONDO:0011400, OMIM 604145.

Submissions (3):

Women's Health and Genetics/Laboratory Corporation of America, LabCorp
Classification: Likely pathogenic for Primary familial dilated cardiomyopathy. Last evaluated: 2026-03-23. Review status: criteria provided, single submitter. Criteria: LabCorp Variant Classification Summary - May 2015. Collection method: clinical testing. Allele origin: germline.
Comment: Variant summary: TTN c.55231G>T (p.Glu18411X) results in a premature termination codon, predicted to cause a truncation of the encoded protein or absence of the protein due to nonsense mediated decay, which are commonly known mechanisms for disease. Loss of function variants in all TTN bands are strongly associated with a spectrum of autosomal recessive titinopathies when exon expression (proportion spliced in, PSI, 1=complete expression) in skeletal muscle is >0.1 (PMID: 36977548, 39198997, 29598826, 32778822, 29691892, 33449170, 36977548, internal data). In contrast, loss of function variants in all TTN bands are only strongly associated with autosomal dominant TTN-related cardiomyopathies if located in exons constitutively expressed (PSI >0.9) in cardiac muscle, excluding extreme C-terminal exons 359-363 (PMID: 25589632, 31216868, 32964742, 34662387, 27869827, Shetty et al., Nat Cardiovasc Res 2024,, internal data). This variant has a maximum skeletal muscle PSI of 0.963 and a maximum cardiac muscle PSI of 1.000. The variant was absent in 248348 control chromosomes. c.55231G>T has been observed in the presumed heterozygous state in at least 2 individual(s) affected with autosomal dominant Dilated Cardiomyopathy (example, Lakdawala_2025, internal data) without any reported segregation evidence. These report(s) do not provide unequivocal conclusions about association of the variant with TTN-related conditions. To our knowledge, no experimental evidence demonstrating an impact on protein function has been reported. The following publication has been ascertained in the context of this evaluation (PMID: 41217321). ClinVar contains an entry for this variant (Variation ID: 1349555). Based on the evidence outlined above, the variant was classified as likely pathogenic for both autosomal dominant and autosomal recessive TTN-related conditions.

Labcorp Genetics (formerly Invitae), Labcorp
Classification: Likely pathogenic for Dilated cardiomyopathy 1G; Autosomal recessive limb-girdle muscular dystrophy type 2J. Last evaluated: 2023-10-26. Review status: criteria provided, single submitter. Criteria: Invitae Variant Classification Sherloc (09022015). Collection method: clinical testing. Allele origin: germline.
Comment: This sequence change creates a premature translational stop signal (p.Glu20979*) in the TTN gene. While this is not anticipated to result in nonsense mediated decay, it is expected to create a truncated TTN protein. This variant is not present in population databases (gnomAD no frequency). This premature translational stop signal has been observed in individual(s) with dilated cardiomyopathy (Invitae). ClinVar contains an entry for this variant (Variation ID: 1349555). This variant is located in the A band of TTN (PMID: 25589632). Truncating variants in this region are significantly overrepresented in patients affected with dilated cardiomyopathy (PMID: 25589632). Truncating variants in this region have also been reported in individuals affected with autosomal recessive centronuclear myopathy (PMID: 23975875). In summary, the currently available evidence indicates that the variant is pathogenic, but additional data are needed to prove that conclusively. Therefore, this variant has been classified as Likely Pathogenic.

Ambry Genetics
Classification: Likely pathogenic for Cardiovascular phenotype. Last evaluated: 2023-01-23. Review status: criteria provided, single submitter. Criteria: Ambry Variant Classification Scheme 2023. Collection method: clinical testing. Allele origin: germline.
Comment: The p.E11914* variant (also known as c.35740G>T), located in coding exon 131 of the TTN gene, results from a G to T substitution at nucleotide position 35740. This changes the amino acid from a glutamic acid to a stop codon within coding exon 131. This exon is located in the A-band region of the N2-B isoform of the titin protein and is constitutively expressed in TTN transcripts (percent spliced in or PSI 100%). This variant is considered to be rare based on population cohorts in the Genome Aggregation Database (gnomAD). This alteration is expected to result in loss of function by premature protein truncation or nonsense-mediated mRNA decay. While truncating variants in TTN are present in 1-3% of the general population, truncating variants in the A-band are the most common cause of dilated cardiomyopathy (DCM) (Herman DS et al. N. Engl. J. Med., 2012 Feb;366:619-28; Roberts AM et al. Sci Transl Med, 2015 Jan;7:270ra6). TTN truncating variants encoded in constitutive exons (PSI >90%) have been found to be significantly associated with DCM regardless of their position in titin (Schafer S et al. Nat. Genet., 2017 01;49:46-53). Based on the majority of available evidence to date, this variant is likely to be pathogenic.

Literature cited by the submitters: PubMed 41217321 (cited by Women's Health and Genetics/Laboratory Corporation of America, LabCorp); PubMed 25589632 (cited by Labcorp Genetics (formerly Invitae), Labcorp); PubMed 23975875 (cited by Labcorp Genetics (formerly Invitae), Labcorp).